The following is an entry in ClinVar:

NM_001374353.1(GLI2):c.596G>T (p.Gly199Val)

Gene: GLI2 (GLI family zinc finger 2; plus strand). Cytogenetic location: 2q14.2.
Variant type: single nucleotide variant.
Coding change: c.596G>T on transcript NM_001374353.1 (MANE Select); coding-DNA position 596, G replaced by T.
Protein change: p.Gly199Val; replaces glycine 199 with valine.
Molecular consequence: missense variant.
Genome position (GRCh38, 1-based): chr2:120,955,383, G>T. VCF-style: chr2-120955383-G-T. GRCh37 (hg19) VCF-style: chr2-121712959-G-T.
Other names: c.596G>T, p.Gly199Val (NM_001371271.1, NM_005270.5); c.221G>T, p.Gly74Val (NM_001374354.1); short protein forms G199V, G74V.
Identifiers: ClinVar variation 3768884 (VCV003768884.1).

ClinVar aggregate classification (germline): Uncertain significance (1 of 4 stars; one submission).

Submission:

Women's Health and Genetics/Laboratory Corporation of America, LabCorp
Classification: Uncertain significance. Last evaluated: 2025-02-21. Review status: criteria provided, single submitter. Criteria: LabCorp Variant Classification Summary - May 2015. Collection method: clinical testing. Allele origin: germline.
Comment: Variant summary: GLI2 c.596G>T (p.Gly199Val) results in a non-conservative amino acid change in the encoded protein sequence. Four of five in-silico tools predict a damaging effect of the variant on protein function. The variant was absent in 248090 control chromosomes. The available data on variant occurrences in the general population are insufficient to allow any conclusion about variant significance. To our knowledge, no occurrence of c.596G>T in individuals affected with GLI2-Related Disorders and no experimental evidence demonstrating its impact on protein function have been reported. No submitters have cited clinical-significance assessments for this variant to ClinVar. Based on the evidence outlined above, the variant was classified as uncertain significance.